The following is an entry in ClinVar:

NM_001082.5(CYP4F2):c.1443C>T (p.Val481=)

Gene: CYP4F2 (cytochrome P450 family 4 subfamily F member 2; minus strand). Cytogenetic location: 19p13.12.
Variant type: single nucleotide variant.
Coding change: c.1443C>T on transcript NM_001082.5 (MANE Select); coding-DNA position 1443, C replaced by T.
Protein change: p.Val481=; no amino-acid change (valine 481 retained).
Molecular consequence: synonymous variant.
Genome position (GRCh38, 1-based): chr19:15,878,891, G>A on the plus strand (C>T on the coding strand, the complement: CYP4F2 is on the minus strand). VCF-style: chr19-15878891-G-A. GRCh37 (hg19) VCF-style: chr19-15989701-G-A.
Identifiers: ClinVar variation 3031316 (VCV003031316.2), dbSNP rs368748953, ClinGen allele CA9273585.

ClinVar aggregate classification (germline): Likely benign (0 of 4 stars; one submission).

Conditions:
CYP4F2-related disorder. Also called: CYP4F2-related condition.

Allele frequency attached by ClinVar (database versions not stated): gnomAD 0.00007; ESP Exome Variant Server 0.00008; 1000 Genomes Project 30x 0.00031; 1000 Genomes Project 0.00040.
gnomAD v4.1: 18 of 1,614,048 alleles (0.0011%); highest among the groups gnomAD compares: African/African-American, 0.023%; no homozygotes.

Submission:

PreventionGenetics, part of Exact Sciences
Classification: Likely benign for CYP4F2-related condition. Last evaluated: 2020-12-18. Review status: no assertion criteria provided. Collection method: clinical testing. Allele origin: germline.
Comment: This variant is classified as likely benign based on ACMG/AMP sequence variant interpretation guidelines (Richards et al. 2015 PMID: 25741868, with internal and published modifications).